The following is an entry in ClinVar:

NM_002529.4(NTRK1):c.1376A>G (p.Glu459Gly)

Gene: NTRK1 (neurotrophic receptor tyrosine kinase 1; plus strand). Cytogenetic location: 1q23.1.
Variant type: single nucleotide variant.
Coding change: c.1376A>G on transcript NM_002529.4 (MANE Select); coding-DNA position 1376, A replaced by G.
Protein change: p.Glu459Gly; replaces glutamic acid 459 with glycine.
Molecular consequence: missense variant.
Genome position (GRCh38, 1-based): chr1:156,875,541, A>G. VCF-style: chr1-156875541-A-G. GRCh37 (hg19) VCF-style: chr1-156845333-A-G.
Other names: c.1268A>G, p.Glu423Gly (NM_001007792.1); c.1358A>G, p.Glu453Gly (NM_001012331.2); short protein forms E423G, E459G, E453G.
Identifiers: ClinVar variation 1393034 (VCV001393034.8), dbSNP rs1489974991, ClinGen allele CA342937254.

ClinVar aggregate classification (germline): Uncertain significance (1 of 4 stars; one submission).

Conditions:
Hereditary insensitivity to pain with anhidrosis (CIPA). Also called: NTRK1 Congenital Insensitivity to Pain with Anhidrosis; HSAN Type IV; FAMILIAL DYSAUTONOMIA, TYPE II; INSENSITIVITY TO PAIN, CONGENITAL, WITH ANHIDROSIS; NEUROPATHY, CONGENITAL SENSORY, WITH ANHIDROSIS; hereditary sensory and autonomic neuropathy type 4. Identifiers: Orphanet 642, MedGen C0020074, MONDO:0009746, OMIM 256800.

Allele frequency attached by ClinVar (database versions not stated): TOPMed below 0.00001.

Submission:

Labcorp Genetics (formerly Invitae), Labcorp
Classification: Uncertain significance for Hereditary insensitivity to pain with anhidrosis. Last evaluated: 2021-05-30. Review status: criteria provided, single submitter. Criteria: Invitae Variant Classification Sherloc (09022015). Collection method: clinical testing. Allele origin: germline.
Comment: In summary, the available evidence is currently insufficient to determine the role of this variant in disease. Therefore, it has been classified as a Variant of Uncertain Significance. Advanced modeling of protein sequence and biophysical properties (such as structural, functional, and spatial information, amino acid conservation, physicochemical variation, residue mobility, and thermodynamic stability) performed at Invitae indicates that this missense variant is not expected to disrupt NTRK1 protein function. This variant has not been reported in the literature in individuals with NTRK1-related conditions. This variant is not present in population databases (ExAC no frequency). This sequence change replaces glutamic acid with glycine at codon 453 of the NTRK1 protein (p.Glu453Gly). The glutamic acid residue is highly conserved and there is a moderate physicochemical difference between glutamic acid and glycine.